The following is an entry in ClinVar:

NM_024685.4(BBS10):c.490A>C (p.Thr164Pro)

Gene: BBS10 (Bardet-Biedl syndrome 10; minus strand). Cytogenetic location: 12q21.2.
Variant type: single nucleotide variant.
Coding change: c.490A>C on transcript NM_024685.4 (MANE Select); coding-DNA position 490, A replaced by C.
Protein change: p.Thr164Pro; replaces threonine 164 with proline.
Molecular consequence: missense variant.
Genome position (GRCh38, 1-based): chr12:76,347,495, T>G on the plus strand (A>C on the coding strand, the complement: BBS10 is on the minus strand). VCF-style: chr12-76347495-T-G. GRCh37 (hg19) VCF-style: chr12-76741275-T-G.
Other names: short protein forms T164P.
Identifiers: ClinVar variation 1904821 (VCV001904821.3), dbSNP rs777752152, ClinGen allele CA6694327.
Genomic context (GRCh38, chr12:76,347,495, plus strand): 5'-TTCCCACTCTTCCACAAAAGTATGCTTCTAAGAGCAACTCTAAAGAGCTCCTACACAATG[T>G]TCTCTCTTTAGCAGACGAAAAGATAGACAAAAAGTGTCTACTTAGGTACTGGTCCATAAT-3'
Protein context (NP_078961.3, residues 154-174): LSIFSSAKER[Thr164Pro]LCRSSLELLL

ClinVar aggregate classification (germline): Uncertain significance. Review status: criteria provided, multiple submitters, no conflicts (2 of 4 stars). 2 submissions from 2 submitters: Uncertain significance (2). Last evaluated 2024-03-08.

Conditions:
Bardet-Biedl syndrome 10 (BBS10). Identifiers: Orphanet 110, MedGen C1859568, MONDO:0014438, OMIM 615987.
Bardet-Biedl syndrome (BBS). Identifiers: Orphanet 110, MedGen C0752166, MONDO:0015229.

Allele frequency attached by ClinVar (database versions not stated): gnomAD exomes below 0.00001; TOPMed below 0.00001; ExAC 0.00001.

Submissions (2):

Laboratorio de Genetica e Diagnostico Molecular, Hospital Israelita Albert Einstein
Classification: Uncertain significance for Bardet-Biedl syndrome 10. Last evaluated: 2024-03-08. Review status: criteria provided, single submitter. Criteria: ACMG Guidelines, 2015. Collection method: clinical testing. Allele origin: germline. Affected: yes.
Comment: ACMG classification criteria: PM2 supporting, BP4 supporting

Labcorp Genetics (formerly Invitae), Labcorp
Classification: Uncertain significance for Bardet-Biedl syndrome. Last evaluated: 2022-02-10. Review status: criteria provided, single submitter. Criteria: Invitae Variant Classification Sherloc (09022015). Collection method: clinical testing. Allele origin: germline.
Comment: This sequence change replaces threonine, which is neutral and polar, with proline, which is neutral and non-polar, at codon 164 of the BBS10 protein (p.Thr164Pro). This variant is present in population databases (rs777752152, gnomAD 0.0009%). This variant has not been reported in the literature in individuals affected with BBS10-related conditions. Algorithms developed to predict the effect of missense changes on protein structure and function output the following: SIFT: "Tolerated"; PolyPhen-2: "Benign"; Align-GVGD: "Class C0". The proline amino acid residue is found in multiple mammalian species, which suggests that this missense change does not adversely affect protein function. In summary, the available evidence is currently insufficient to determine the role of this variant in disease. Therefore, it has been classified as a Variant of Uncertain Significance.